The following is an entry in ClinVar:

ClinVar aggregate classification (germline): Benign (0 of 4 stars; one submission).

Conditions:
DDX53-related disorder. Also called: DDX53-related condition.

Allele frequency attached by ClinVar (database versions not stated): 1000 Genomes Project 0.00583; 1000 Genomes Project 30x 0.00624; TOPMed 0.01633; ESP Exome Variant Server 0.01676; gnomAD 0.01926; ExAC 0.01955.

Submission:

PreventionGenetics, part of Exact Sciences
Classification: Benign for DDX53-related condition. Last evaluated: 2019-11-13. Review status: no assertion criteria provided. Collection method: clinical testing. Allele origin: germline.
Comment: This variant is classified as benign based on ACMG/AMP sequence variant interpretation guidelines (Richards et al. 2015 PMID: 25741868, with internal and published modifications).

NM_182699.4(DDX53):c.1074C>T (p.Asp358=)

Genes: DDX53 (DEAD-box helicase 53; plus strand), PTCHD1-AS (PTCHD1 antisense RNA (head to head); minus strand). Cytogenetic location: Xp22.11.
Variant type: single nucleotide variant.
Coding change: c.1074C>T on transcript NM_182699.4 (MANE Select); coding-DNA position 1074, C replaced by T.
Protein change: p.Asp358=; no amino-acid change (aspartic acid 358 retained).
Molecular consequence: synonymous variant.
Genome position (GRCh38, 1-based): chrX:23,001,131, C>T. VCF-style: chrX-23001131-C-T. GRCh37 (hg19) VCF-style: chrX-23019248-C-T.
Identifiers: ClinVar variation 3058954 (VCV003058954.2), dbSNP rs34737763, ClinGen allele CA10368821.
Genomic context (GRCh38, chrX:23,001,131, plus strand): 5'-AATAGAAGACATTAGCAAAGGTGTAGATATCATTATTGCAACTCCTGGGAGGCTGAATGA[C>T]CTACAAATGAATAACTCTGTCAACCTAAGAAGCATAACCTACTTGGTTATAGATGAGGCA-3'
Protein context (NP_874358.2, residues 348-368): IIIATPGRLN[Asp358=]LQMNNSVNLR